The following is an entry in ClinVar:

NM_024753.5(TTC21B):c.3493A>G (p.Thr1165Ala)

Gene: TTC21B (tetratricopeptide repeat domain 21B; minus strand). Cytogenetic location: 2q24.3.
Variant type: single nucleotide variant.
Coding change: c.3493A>G on transcript NM_024753.5 (MANE Select); coding-DNA position 3493, A replaced by G.
Protein change: p.Thr1165Ala; replaces threonine 1165 with alanine.
Molecular consequence: missense variant.
Genome position (GRCh38, 1-based): chr2:165,883,985, T>C on the plus strand (A>G on the coding strand, the complement: TTC21B is on the minus strand). VCF-style: chr2-165883985-T-C. GRCh37 (hg19) VCF-style: chr2-166740495-T-C.
Other names: short protein forms T1165A.
Identifiers: ClinVar variation 1489480 (VCV001489480.3), dbSNP rs762419505, ClinGen allele CA1941484.

ClinVar aggregate classification (germline): Uncertain significance (1 of 4 stars; one submission).

Conditions:
Nephronophthisis. Also called: Juvenile Nephronophthisis. Identifiers: Orphanet 655, MedGen C0687120, MONDO:0019005, HP:0000090.
Jeune thoracic dystrophy. Also called: Jeune syndrome; Infantile thoracic dystrophy; Thoracic pelvic phalangeal dystrophy; Jeune's syndrome; Chondroectodermal dysplasia-like syndrome; Short-rib thoracic dysplasia. Identifiers: Orphanet 474, MedGen C0265275, MONDO:0018770.

Allele frequency attached by ClinVar (database versions not stated): TOPMed below 0.00001; ExAC 0.00002; gnomAD exomes 0.00002.
gnomAD v4.1: 9 of 1,614,132 alleles (0.00056%); highest among the groups gnomAD compares: South Asian, 0.0066%; no homozygotes.

Submission:

Labcorp Genetics (formerly Invitae), Labcorp
Classification: Uncertain significance for Jeune thoracic dystrophy; Nephronophthisis. Last evaluated: 2021-10-22. Review status: criteria provided, single submitter. Criteria: Invitae Variant Classification Sherloc (09022015). Collection method: clinical testing. Allele origin: germline.
Comment: This sequence change replaces threonine, which is neutral and polar, with alanine, which is neutral and non-polar, at codon 1165 of the TTC21B protein (p.Thr1165Ala). This variant is present in population databases (rs762419505, gnomAD 0.006%). This variant has not been reported in the literature in individuals affected with TTC21B-related conditions. Algorithms developed to predict the effect of missense changes on protein structure and function (SIFT, PolyPhen-2, Align-GVGD) all suggest that this variant is likely to be tolerated. Algorithms developed to predict the effect of sequence changes on RNA splicing suggest that this variant may create or strengthen a splice site. In summary, the available evidence is currently insufficient to determine the role of this variant in disease. Therefore, it has been classified as a Variant of Uncertain Significance.